The following is an entry in ClinVar:

ClinVar aggregate classification (germline): Pathogenic (1 of 4 stars; one submission).

Submission:

Labcorp Genetics (formerly Invitae), Labcorp
Classification: Pathogenic. Last evaluated: 2023-11-10. Review status: criteria provided, single submitter. Criteria: Invitae Variant Classification Sherloc (09022015). Collection method: clinical testing. Allele origin: unknown.
Comment: This variant is a gross deletion of the genomic region encompassing exon(s) 10 of the MYO7A gene. This deletion is out-of-frame, and is expected to create a premature termination codon and result in an absent or disrupted protein product. Loss-of-function variants in MYO7A are known to be pathogenic (PMID: 8900236, 25404053). This variant has not been reported in the literature in individuals affected with MYO7A-related conditions. For these reasons, this variant has been classified as Pathogenic.

Literature cited by the submitters: PubMed 8900236; PubMed 25404053.

NC_000011.9:g.(?_76870473)_(76870589_?)del

Gene: MYO7A (myosin VIIA; plus strand). Cytogenetic location: 11q13.5.
Variant type: Deletion.
Identifiers: ClinVar variation 3244711 (VCV003244711.1).